The following is an entry in ClinVar:

NM_005859.5(PURA):c.205C>T (p.Gln69Ter)

Gene: PURA (purine rich element binding protein A; plus strand). Cytogenetic location: 5q31.3.
Variant type: single nucleotide variant.
Coding change: c.205C>T on transcript NM_005859.5 (MANE Select); coding-DNA position 205, C replaced by T.
Protein change: p.Gln69Ter; replaces glutamine 69 with a stop codon.
Molecular consequence: nonsense.
Genome position (GRCh38, 1-based): chr5:140,114,386, C>T. VCF-style: chr5-140114386-C-T. GRCh37 (hg19) VCF-style: chr5-139493971-C-T.
Other names: short protein forms Q69*.
Identifiers: ClinVar variation 489041 (VCV000489041.3), dbSNP rs1554129045, ClinGen allele CA361490077.

ClinVar aggregate classification (germline): Pathogenic. Review status: criteria provided, multiple submitters, no conflicts (2 of 4 stars). 2 submissions from 2 submitters: Pathogenic (2). Last evaluated 2018-11-09.

Conditions:
PURA-related severe neonatal hypotonia-seizures-encephalopathy syndrome (NEDRIHF). Also called: NEURODEVELOPMENTAL DISORDER WITH NEONATAL RESPIRATORY INSUFFICIENCY, HYPOTONIA, AND FEEDING DIFFICULTIES; PURA-Related Neurodevelopmental Disorders. Identifiers: Orphanet 438213, Orphanet 438216, MedGen C4015357, MONDO:1060108, OMIM 616158, MONDO:0018580.

Submissions (2):

Labcorp Genetics (formerly Invitae), Labcorp
Classification: Pathogenic for Mental retardation, autosomal dominant 31. Last evaluated: 2018-11-09. Review status: criteria provided, single submitter. Criteria: Invitae Variant Classification Sherloc (09022015). Collection method: clinical testing. Allele origin: germline.
Comment: This sequence change results in a premature translational stop signal in the PURA gene (p.Gln69*). While this is not anticipated to result in nonsense mediated decay, it is expected to disrupt the last 294 amino acids of the PURA protein. This variant is not present in population databases (ExAC no frequency). This variant has not been reported in the literature in individuals with PURA-related disease. ClinVar contains an entry for this variant (Variation ID:Â¬â€ 489041). This variant disrupts the C-terminus of the PURA protein. Other variant(s) that disrupt this region (p.Gln186*, p.Tyr261*) have been determined to be pathogenic (PMID:Â¬â€ 25439098). This suggests that variants that disrupt this region of the protein are likely to be causative of disease. For these reasons, this variant has been classified as Pathogenic.

GeneDx
Classification: Pathogenic. Last evaluated: 2017-08-04. Review status: criteria provided, single submitter. Criteria: GeneDx Variant Classification (06012015). Collection method: clinical testing. Allele origin: germline. Affected: yes.
Comment: The Q69X variant in the PURA gene has not been reported previously as a pathogenic variant nor as a benign variant, to our knowledge. This variant is predicted to cause loss of normal protein function through protein truncation. The Q69X variant is not observed in large population cohorts (Lek et al., 2016; 1000 Genomes Consortium et al., 2015; Exome Variant Server). We interpret Q69X as a pathogenic variant.